The following is an entry in ClinVar:

NM_000020.3(ACVRL1):c.313+2T>A

Gene: ACVRL1 (activin A receptor like type 1; plus strand). Cytogenetic location: 12q13.13.
Variant type: single nucleotide variant.
Coding change: c.313+2T>A on transcript NM_000020.3 (MANE Select); the canonical splice donor site of the intron after coding-DNA position 313, T replaced by A.
Molecular consequence: splice donor variant. On other transcripts: intron variant (1).
Genome position (GRCh38, 1-based): chr12:51,913,352, T>A. VCF-style: chr12-51913352-T-A. GRCh37 (hg19) VCF-style: chr12-52307136-T-A.
Other names: NC_000012.11:g.52307136T>A; c.313+2T>A (NM_001406487.1, NM_001406491.1, NM_001406488.1 and 6 more transcripts); c.61+817T>A (NM_001406495.1).
Identifiers: ClinVar variation 4385633 (VCV004385633.2).

ClinVar aggregate classification (germline): Likely pathogenic (1 of 4 stars; one submission).

Conditions:
Telangiectasia, hereditary hemorrhagic, type 2 (HHT2). Also called: ACVRL1-Related Hereditary Hemorrhagic Telangiectasia; Telangiectasia, hereditary hemorrhagic, type II. Identifiers: Orphanet 774, MedGen C1838163, MONDO:0010880, OMIM 600376. Disease mechanism: loss of function.

Submissions (2):

Medical Genetics Unit, Mauro Baschirotto Institute for Rare Disease
Classification: Likely pathogenic for Telangiectasia, hereditary hemorrhagic, type 2. Last evaluated: 2026-10-06. Review status: criteria provided, single submitter. Criteria: ACMG Guidelines, 2015. Collection method: clinical testing. Allele origin: germline. Affected: yes.
Comment: NM_000020.3(ACVRL1): c.313+2T>A is an intronic variant affecting the canonical splice donor site at position +2 of intron 3. Variants affecting the canonical splice donor site are predicted to disrupt normal pre-mRNA splicing and may result in loss of functional ACVRL1 protein. Loss of function is an established disease mechanism for hereditary hemorrhagic telangiectasia type 2 (HHT2), supporting PVS1. The variant is very rare in gnomAD population databases, supporting PM2. Multiple in silico splice-prediction tools support a potential effect on splicing, including SpliceAI (0.36), dbscSNV Ada (1.00), and dbscSNV RF (0.99). No RNA or other functional evidence demonstrating abnormal splicing is currently available. The variant is classified as Likely Pathogenic (PVS1, PM2).

Dr. Peter K. Rogan Lab, Western University
No classification provided (evidence only). Condition: Ovarian serous cystadenocarcinoma. Review status: no classification provided. Collection method: in vitro. Allele origin: not applicable. Functional consequence: retained intron. Not counted in ClinVar's aggregate classification.